The following is an entry in ClinVar:

NM_013393.3(MRM2):c.128T>C (p.Phe43Ser)

Gene: MRM2 (mitochondrial rRNA methyltransferase 2; minus strand). Cytogenetic location: 7p22.3.
Variant type: single nucleotide variant.
Coding change: c.128T>C on transcript NM_013393.3 (MANE Select); coding-DNA position 128, T replaced by C.
Protein change: p.Phe43Ser; replaces phenylalanine 43 with serine.
Molecular consequence: missense variant.
Genome position (GRCh38, 1-based): chr7:2,239,588, A>G on the plus strand (T>C on the coding strand, the complement: MRM2 is on the minus strand). VCF-style: chr7-2239588-A-G. GRCh37 (hg19) VCF-style: chr7-2279223-A-G.
Other names: short protein forms F43S.
Identifiers: ClinVar variation 2498064 (VCV002498064.1), dbSNP rs1302683615, ClinGen allele CA366599505.

ClinVar aggregate classification (germline): Uncertain significance (1 of 4 stars; one submission).

gnomAD v4.1: 5 of 1,614,064 alleles (0.00031%); highest among the groups gnomAD compares: Middle Eastern, 0.049%; no homozygotes.

Submission:

GeneDx
Classification: Uncertain significance. Last evaluated: 2022-10-04. Review status: criteria provided, single submitter. Criteria: GeneDx Variant Classification Process June 2021. Collection method: clinical testing. Allele origin: germline. Affected: yes.
Comment: Not observed at significant frequency in large population cohorts (gnomAD); In silico analysis supports that this missense variant has a deleterious effect on protein structure/function; Has not been previously published as pathogenic or benign to our knowledge